The following is an entry in ClinVar:

NM_020549.5(CHAT):c.85A>C (p.Arg29=)

Gene: CHAT (choline O-acetyltransferase; plus strand). Cytogenetic location: 10q11.23.
Variant type: single nucleotide variant.
Coding change: c.85A>C on transcript NM_020549.5 (MANE Select); coding-DNA position 85, A replaced by C.
Protein change: p.Arg29=; no amino-acid change (arginine 29 retained).
Molecular consequence: synonymous variant. On other transcripts: 5 prime UTR variant (3), intron variant (3).
Genome position (GRCh38, 1-based): chr10:49,614,274, A>C. VCF-style: chr10-49614274-A-C. GRCh37 (hg19) VCF-style: chr10-50822320-A-C.
Other names: c.-270A>C (NM_001142929.2); c.-232A>C (NM_001142933.2); c.-340A>C (NM_001142934.2); c.-68-2228A>C (NM_020984.4); c.-240-30A>C (NM_020985.4); c.-69+1072A>C (NM_020986.4).
Identifiers: ClinVar variation 772954 (VCV000772954.10), dbSNP rs772025588, ClinGen allele CA5497024.

ClinVar aggregate classification (germline): Likely benign. Review status: criteria provided, multiple submitters, no conflicts (2 of 4 stars). 2 submissions from 2 submitters: Likely benign (2). Last evaluated 2025-09-01.

Conditions:
Familial infantile myasthenia (CMS6). Also called: MYASTHENIC SYNDROME, PRESYNAPTIC, CONGENITAL, ASSOCIATED WITH EPISODIC APNEA; MYASTHENIC SYNDROME, CONGENITAL, 6, PRESYNAPTIC; Congenital myasthenic syndrome type 6. Identifiers: Orphanet 590, MedGen C0393929, MONDO:0009689, OMIM 254210.
CHAT-related disorder. Also called: CHAT-related condition.

Allele frequency attached by ClinVar (database versions not stated): TOPMed 0.00002; ExAC 0.00007.
gnomAD v4.1: 231 of 1,548,364 alleles (0.015%); highest among the groups gnomAD compares: East Asian, 0.56%; 2 homozygotes.

Submissions (2):

PreventionGenetics, part of Exact Sciences
Classification: Likely benign for CHAT-related condition. Last evaluated: 2025-09-01. Review status: criteria provided, single submitter. Criteria: ACMG Guidelines, 2015. Collection method: clinical testing. Allele origin: germline.
Comment: This variant is classified as likely benign based on ACMG/AMP sequence variant interpretation guidelines (Richards et al. 2015 PMID: 25741868, with internal and published modifications).

Labcorp Genetics (formerly Invitae), Labcorp
Classification: Likely benign for Familial infantile myasthenia. Last evaluated: 2024-12-05. Review status: criteria provided, single submitter. Criteria: Invitae Variant Classification Sherloc (09022015). Collection method: clinical testing. Allele origin: germline.